The following is an entry in ClinVar:

ClinVar aggregate classification (germline): Conflicting classifications of pathogenicity. Review status: criteria provided, conflicting classifications (1 of 4 stars). 5 submissions from 5 submitters: Likely pathogenic (1); Uncertain significance (4). Last evaluated 2026-06-12.

Conditions:
Hypertrophic cardiomyopathy 1 (CMH1). Also called: MYH7-Related Familial Hypertrophic Cardiomyopathy; Familial hypertrophic cardiomyopathy 1. Identifiers: MedGen C3495498, MONDO:0008647, OMIM 192600.
MYH7-related skeletal myopathy. Also called: Laing distal myopathy; Laing early-onset distal myopathy; Myopathy, distal, 1; MYOPATHY, DISTAL, EARLY-ONSET, AUTOSOMAL DOMINANT; MYOPATHY, LATE DISTAL HEREDITARY. Identifiers: Orphanet 59135, MedGen C4552004, MONDO:0008050, OMIM 160500.
Myopathy, myosin storage, autosomal recessive (CMYO7B). Also called: CONGENITAL MYOPATHY 7B, MYOSIN STORAGE, AUTOSOMAL RECESSIVE. Identifiers: Orphanet 636970, MedGen C1850709, MONDO:0009708, OMIM 255160.
Congenital myopathy with fiber type disproportion. Also called: Congenital fiber-type disproportion myopathy; Congenital fiber-type disproportion. Identifiers: Orphanet 2020, MedGen C0546264, MONDO:0009711. Inheritance: all.
Dilated cardiomyopathy 1S (CMD1S). Identifiers: Orphanet 154, Orphanet 54260, MedGen C1834481, MONDO:0013262, OMIM 613426.
Myosin storage myopathy (CMYO7A). Also called: MYOPATHY, HYALINE BODY, AUTOSOMAL DOMINANT; SCAPULOPERONEAL MUSCULAR DYSTROPHY; SCAPULOPERONEAL SYNDROME, MYOPATHIC TYPE; MYH7-related late-onset scapuloperoneal muscular dystrophy; Congenital myopathy 7A, myosin storage, autosomal dominant; MYOPATHY WITH LYSIS OF TYPE I MYOFIBRILS. Identifiers: Orphanet 437572, Orphanet 636965, MedGen C1842160, MONDO:0008409, OMIM 608358.
Cardiovascular phenotype. Identifiers: MedGen CN230736.
Cardiomyopathy (CMYO). Also called: Cardiomyopathies. Identifiers: Orphanet 167848, MedGen C0878544, MONDO:0004994, HP:0001638. Inheritance: Various modes of inheritance.
Hypertrophic cardiomyopathy. Also called: HYPERTROPHIC MYOCARDIOPATHY. Identifiers: Orphanet 217569, MedGen C0007194, MeSH D002312, MONDO:0005045, HP:0001639.

Allele frequency attached by ClinVar (database versions not stated): ExAC 0.00001; gnomAD exomes 0.00001; TOPMed 0.00004; gnomAD 0.00004.
gnomAD v4.1: 11 of 1,613,950 alleles (0.00068%); highest among the groups gnomAD compares: African/African-American, 0.015%; no homozygotes.

Submissions (5):

Ambry Genetics
Classification: Uncertain significance for Cardiovascular phenotype. Last evaluated: 2026-06-12. Review status: criteria provided, single submitter. Criteria: Ambry Variant Classification Scheme 2023. Collection method: clinical testing. Allele origin: germline.
Comment: The p.E1056D variant (also known as c.3168G>C), located in coding exon 23 of the MYH7 gene, results from a G to C substitution at nucleotide position 3168. The glutamic acid at codon 1056 is replaced by aspartic acid, an amino acid with highly similar properties. This variant was reported in individual(s) with features consistent with hypertrophic cardiomyopathy (HCM) (Kassem HSh et al. J Cardiovasc Transl Res, 2013 Feb;6:65-80; Ambry internal data). This amino acid position is highly conserved in available vertebrate species. In addition, this alteration is predicted to be deleterious by in silico analysis. Since supporting evidence is limited at this time, the clinical significance of this alteration remains unclear.

Labcorp Genetics (formerly Invitae), Labcorp
Classification: Likely pathogenic for Hypertrophic cardiomyopathy. Last evaluated: 2025-11-23. Review status: criteria provided, single submitter. Criteria: Invitae Variant Classification Sherloc (09022015). Collection method: clinical testing. Allele origin: germline.
Comment: This sequence change replaces glutamic acid, which is acidic and polar, with aspartic acid, which is acidic and polar, at codon 1056 of the MYH7 protein (p.Glu1056Asp). This variant is present in population databases (rs747198710, gnomAD 0.01%). This missense change has been observed in individuals with hypertrophic cardiomyopathy (PMID: 23233322, 34542152; internal data). ClinVar contains an entry for this variant (Variation ID: 418362). Invitae Evidence Modeling of protein sequence and biophysical properties (such as structural, functional, and spatial information, amino acid conservation, physicochemical variation, residue mobility, and thermodynamic stability) indicates that this missense variant is expected to disrupt MYH7 protein function with a positive predictive value of 95%. In summary, the currently available evidence indicates that the variant is pathogenic, but additional data are needed to prove that conclusively. Therefore, this variant has been classified as Likely Pathogenic.

GeneDx
Classification: Uncertain significance. Last evaluated: 2025-06-11. Review status: criteria provided, single submitter. Criteria: GeneDx Variant Classification Process June 2021. Collection method: clinical testing. Allele origin: germline. Affected: yes.
Comment: Not observed at significant frequency in large population cohorts (gnomAD); In silico analysis suggests that this missense variant does not alter protein structure/function; This variant is associated with the following publications: (PMID: 21310275, 34542152, 37652022, 23233322)

All of Us Research Program, National Institutes of Health
Classification: Uncertain significance for Cardiomyopathy. Last evaluated: 2023-08-15. Review status: criteria provided, single submitter. Criteria: ACMG Guidelines, 2015. Collection method: clinical testing. Allele origin: germline. Inheritance: Autosomal dominant inheritance. Observed: 1 variant allele, 1 heterozygote.
Comment: This study involves interpretation of variants in research participants for the purpose of population health screening. Participant phenotype was not available at the time of variant classification. Additional details can be found in publication PMID: 35346344, PMCID: PMC8962531

Fulgent Genetics
Classification: Uncertain significance for MYH7-related skeletal myopathy; Myosin storage myopathy; Hypertrophic cardiomyopathy 1; Myopathy, myosin storage, autosomal recessive; Congenital myopathy 4A, autosomal dominant; Dilated cardiomyopathy 1S. Last evaluated: 2021-10-08. Review status: criteria provided, single submitter. Criteria: ACMG Guidelines, 2015. Collection method: clinical testing. Allele origin: unknown.

Literature cited by the submitters: PubMed 23233322 (cited by Ambry Genetics and Labcorp Genetics (formerly Invitae), Labcorp); PubMed 34542152 (cited by Labcorp Genetics (formerly Invitae), Labcorp).

NM_000257.4(MYH7):c.3168G>C (p.Glu1056Asp)

Gene: MYH7 (myosin heavy chain 7; minus strand). Cytogenetic location: 14q11.2.
Variant type: single nucleotide variant.
Coding change: c.3168G>C on transcript NM_000257.4 (MANE Select); coding-DNA position 3168, G replaced by C.
Protein change: p.Glu1056Asp; replaces glutamic acid 1056 with aspartic acid.
Molecular consequence: missense variant.
Genome position (GRCh38, 1-based): chr14:23,422,257, C>G on the plus strand (G>C on the coding strand, the complement: MYH7 is on the minus strand). VCF-style: chr14-23422257-C-G. GRCh37 (hg19) VCF-style: chr14-23891466-C-G.
Other names: c.3168G>C (LRG_384t1); short protein forms E1056D.
Identifiers: ClinVar variation 418362 (VCV000418362.13), dbSNP rs747198710, ClinGen allele CA036012.